The following is an entry in ClinVar:

ClinVar aggregate classification (germline): Uncertain significance. Review status: criteria provided, multiple submitters, no conflicts (2 of 4 stars). 5 submissions from 5 submitters: Uncertain significance (5). Last evaluated 2025-10-23.

Conditions:
Cardiovascular phenotype. Identifiers: MedGen CN230736.
Arrhythmogenic right ventricular cardiomyopathy (ARVD). Also called: Arrhythmogenic cardiomyopathy; Cardiomyopathy, ARVC; Arrhythmogenic right ventricular dysplasia; Arrhythmogenic Right Ventricular Cardiomyopathy (ARVC). Identifiers: Orphanet 247, MedGen C0349788, MeSH D019571, MONDO:0016587. Disease mechanism: loss of function. Inheritance: Various modes of inheritance.
Cardiomyopathy (CMYO). Also called: Cardiomyopathies. Identifiers: Orphanet 167848, MedGen C0878544, MONDO:0004994, HP:0001638. Inheritance: Various modes of inheritance.
Arrhythmogenic right ventricular dysplasia 9 (ARVD9). Also called: Arrhythmogenic Right Ventricular Dysplasia/Cardiomyopathy 9; ARRHYTHMOGENIC RIGHT VENTRICULAR DYSPLASIA, FAMILIAL, 9. Identifiers: MedGen C1836906, MONDO:0012180, OMIM 609040.

Allele frequency attached by ClinVar (database versions not stated): gnomAD exomes below 0.00001 and 0.00001; gnomAD 0.00001 and 0.00003; ExAC 0.00002; TOPMed 0.00004; ESP Exome Variant Server 0.00008.
gnomAD v4.1: 16 of 1,614,010 alleles (0.00099%); highest among the groups gnomAD compares: Non-Finnish European, 0.0012%; no homozygotes.

Submissions (6):

Labcorp Genetics (formerly Invitae), Labcorp
Classification: Uncertain significance for Arrhythmogenic right ventricular dysplasia 9. Last evaluated: 2025-10-23. Review status: criteria provided, single submitter. Criteria: Invitae Variant Classification Sherloc (09022015). Collection method: clinical testing. Allele origin: germline.
Comment: This sequence change replaces serine, which is neutral and polar, with glycine, which is neutral and non-polar, at codon 693 of the PKP2 protein (p.Ser693Gly). This variant is present in population databases (rs375295635, gnomAD 0.002%). This missense change has been observed in individual(s) with PKP2-related conditions (PMID: 29540472, 32880476, 37198425). ClinVar contains an entry for this variant (Variation ID: 919450). An algorithm developed to predict the effect of missense changes on protein structure and function (PolyPhen-2) suggests that this variant is likely to be disruptive. In summary, the available evidence is currently insufficient to determine the role of this variant in disease. Therefore, it has been classified as a Variant of Uncertain Significance.

Ambry Genetics
Classification: Uncertain significance for Cardiovascular phenotype. Last evaluated: 2025-07-06. Review status: criteria provided, single submitter. Criteria: Ambry Variant Classification Scheme 2023. Collection method: clinical testing. Allele origin: germline.
Comment: The p.S693G variant (also known as c.2077A>G), located in coding exon 10 of the PKP2 gene, results from an A to G substitution at nucleotide position 2077. The serine at codon 693 is replaced by glycine, an amino acid with similar properties. This alteration has been reported in a cardiomyopathy cohort; however, clinical details were limited (Hazebroek MR et al. Circ Heart Fail, 2018 03;11:e004682). This amino acid position is highly conserved in available vertebrate species. In addition, this alteration is predicted to be deleterious by in silico analysis. Since supporting evidence is limited at this time, the clinical significance of this alteration remains unclear.

All of Us Research Program, National Institutes of Health
Classification: Uncertain significance for Arrhythmogenic right ventricular cardiomyopathy. Last evaluated: 2024-06-09. Review status: criteria provided, single submitter. Criteria: ACMG Guidelines, 2015. Collection method: clinical testing. Allele origin: germline. Inheritance: Autosomal dominant inheritance. Observed: 7 variant alleles, 7 heterozygotes.
Comment: This missense variant replaces serine with glycine at codon 693 of the PKP2 protein. Computational prediction suggests that this variant may have deleterious impact on protein structure and function (internally defined REVEL score threshold >= 0.7, PMID: 27666373). To our knowledge, functional studies have not been reported for this variant. This variant has been reported in individual(s) affected with dilated cardiomyopathy (PMID: 32880476, 37198425), and in an individual with left ventricular dysfunction (PMID: 29540472). This variant has been identified in 1/251386 chromosomes in the general population by the Genome Aggregation Database (gnomAD). The available evidence is insufficient to determine the role of this variant in disease conclusively. Therefore, this variant is classified as a Variant of Uncertain Significance.

This study involves interpretation of variants in research participants for the purpose of population health screening. Participant phenotype was not available at the time of variant classification. Additional details can be found in publication PMID: 35346344, PMCID: PMC8962531

Color Diagnostics, LLC DBA Color Health
Classification: Uncertain significance for Cardiomyopathy. Last evaluated: 2024-05-28. Review status: criteria provided, single submitter. Criteria: ACMG Guidelines, 2015. Collection method: clinical testing. Allele origin: germline.
Comment: This missense variant replaces serine with glycine at codon 693 of the PKP2 protein. Computational prediction suggests that this variant may have deleterious impact on protein structure and function (internally defined REVEL score threshold >= 0.7, PMID: 27666373). To our knowledge, functional studies have not been reported for this variant. This variant has been reported in individual(s) affected with dilated cardiomyopathy (PMID: 32880476, 37198425), and in an individual with left ventricular dysfunction (PMID: 29540472). This variant has been identified in 1/251386 chromosomes in the general population by the Genome Aggregation Database (gnomAD). The available evidence is insufficient to determine the role of this variant in disease conclusively. Therefore, this variant is classified as a Variant of Uncertain Significance.

AiLife Diagnostics
Classification: Uncertain significance. Last evaluated: 2022-01-18. Review status: criteria provided, single submitter. Criteria: ACMG Guidelines, 2015. Collection method: clinical testing. Allele origin: germline. Affected: yes. Observed: 2 variant alleles.

Dr. Peter K. Rogan Lab, Western University
No classification provided (evidence only). Condition: Papillary renal cell carcinoma type 1. Review status: no classification provided. Collection method: in vitro. Allele origin: not applicable. Functional consequence: retained intron. Not counted in ClinVar's aggregate classification.

Literature cited by the submitters: PubMed 29540472 (cited by 5 submitters); PubMed 32880476 (cited by 4 submitters); PubMed 37198425 (cited by 3 submitters).

NM_001005242.3(PKP2):c.1945A>G (p.Ser649Gly)

Gene: PKP2 (plakophilin 2; minus strand). Cytogenetic location: 12p11.21.
Variant type: single nucleotide variant.
Coding change: c.1945A>G on transcript NM_001005242.3 (MANE Select); coding-DNA position 1945, A replaced by G.
Protein change: p.Ser649Gly; replaces serine 649 with glycine.
Molecular consequence: missense variant.
Genome position (GRCh38, 1-based): chr12:32,821,424, T>C on the plus strand (A>G on the coding strand, the complement: PKP2 is on the minus strand). VCF-style: chr12-32821424-T-C. GRCh37 (hg19) VCF-style: chr12-32974358-T-C.
Other names: c.2077A>G, p.Ser693Gly (NM_004572.4); short protein forms S693G, S649G.
Identifiers: ClinVar variation 919450 (VCV000919450.20), dbSNP rs375295635, ClinGen allele CA032586.